The following is an entry in ClinVar:

ClinVar aggregate classification (germline): Uncertain significance. Review status: criteria provided, multiple submitters, no conflicts (2 of 4 stars). 2 submissions from 2 submitters: Uncertain significance (2). Last evaluated 2026-06-15.

Conditions:
Hereditary cancer-predisposing syndrome. Also called: Tumor predisposition; Hereditary Cancer Syndrome; Hereditary neoplastic syndrome; Neoplastic Syndromes, Hereditary. Identifiers: Orphanet 140162, MedGen C0027672, MeSH D009386, MONDO:0015356.
Gastrointestinal stromal tumor. Also called: Gastrointestinal stromal tumor, somatic; Gastrointestinal stroma tumor. Identifiers: Orphanet 44890, MedGen C0238198, MeSH D046152, MONDO:0011719, OMIM 606764, HP:0100723.

Allele frequency attached by ClinVar (database versions not stated): TOPMed below 0.00001.

Submissions (2):

Ambry Genetics
Classification: Uncertain significance for Hereditary cancer-predisposing syndrome. Last evaluated: 2026-06-15. Review status: criteria provided, single submitter. Criteria: Ambry Variant Classification Scheme 2023. Collection method: clinical testing. Allele origin: germline.
Comment: The p.T1058I variant (also known as c.3173C>T), located in coding exon 22 of the PDGFRA gene, results from a C to T substitution at nucleotide position 3173. The threonine at codon 1058 is replaced by isoleucine, an amino acid with similar properties. This amino acid position is conserved. In addition, the in silico prediction for this alteration is inconclusive. Based on the available evidence, the clinical significance of this variant remains unclear.

Labcorp Genetics (formerly Invitae), Labcorp
Classification: Uncertain significance for Gastrointestinal stromal tumor. Last evaluated: 2021-01-29. Review status: criteria provided, single submitter. Criteria: Invitae Variant Classification Sherloc (09022015). Collection method: clinical testing. Allele origin: germline.
Comment: In summary, the available evidence is currently insufficient to determine the role of this variant in disease. Therefore, it has been classified as a Variant of Uncertain Significance. Algorithms developed to predict the effect of missense changes on protein structure and function are either unavailable or do not agree on the potential impact of this missense change (SIFT: "Deleterious"; PolyPhen-2: "Probably Damaging"; Align-GVGD: "Class C0"). This variant has not been reported in the literature in individuals with PDGFRA-related conditions. This variant is not present in population databases (ExAC no frequency). This sequence change replaces threonine with isoleucine at codon 1058 of the PDGFRA protein (p.Thr1058Ile). The threonine residue is highly conserved and there is a moderate physicochemical difference between threonine and isoleucine.

NM_006206.6(PDGFRA):c.3173C>T (p.Thr1058Ile)

Gene: PDGFRA (platelet derived growth factor receptor alpha; plus strand). Cytogenetic location: 4q12.
Variant type: single nucleotide variant.
Coding change: c.3173C>T on transcript NM_006206.6 (MANE Select); coding-DNA position 3173, C replaced by T.
Protein change: p.Thr1058Ile; replaces threonine 1058 with isoleucine.
Molecular consequence: missense variant.
Genome position (GRCh38, 1-based): chr4:54,295,175, C>T. VCF-style: chr4-54295175-C-T. GRCh37 (hg19) VCF-style: chr4-55161342-C-T.
Other names: c.3248C>T, p.Thr1083Ile (NM_001347828.2); c.3173C>T, p.Thr1058Ile (NM_001347829.2); c.3212C>T, p.Thr1071Ile (NM_001347830.2); c.3173C>T (NM_006206.4); short protein forms T1058I, T1071I, T1083I.
Identifiers: ClinVar variation 1024360 (VCV001024360.10), dbSNP rs747864564, ClinGen allele CA356896552.